The following is an entry in ClinVar:

NM_001134363.3(RBM20):c.277C>T (p.Gln93Ter)

Gene: RBM20 (RNA binding motif protein 20; plus strand). Cytogenetic location: 10q25.2.
Variant type: single nucleotide variant.
Coding change: c.277C>T on transcript NM_001134363.3 (MANE Select); coding-DNA position 277, C replaced by T.
Protein change: p.Gln93Ter; replaces glutamine 93 with a stop codon.
Molecular consequence: nonsense.
Genome position (GRCh38, 1-based): chr10:110,780,886, C>T. VCF-style: chr10-110780886-C-T. GRCh37 (hg19) VCF-style: chr10-112540644-C-T.
Other names: short protein forms Q93*.
Identifiers: ClinVar variation 1965699 (VCV001965699.5), dbSNP rs1279453812, ClinGen allele CA378379336.

ClinVar aggregate classification (germline): Pathogenic (1 of 4 stars; one submission).

Conditions:
Dilated cardiomyopathy 1DD (CMD1DD). Identifiers: Orphanet 154, MedGen C2750995, MONDO:0013168, OMIM 613172.

Allele frequency attached by ClinVar (database versions not stated): gnomAD 0.00001.

Submission:

Labcorp Genetics (formerly Invitae), Labcorp
Classification: Pathogenic for Dilated cardiomyopathy 1DD. Last evaluated: 2025-12-08. Review status: criteria provided, single submitter. Criteria: Invitae Variant Classification Sherloc (09022015). Collection method: clinical testing. Allele origin: germline.
Comment: This sequence change creates a premature translational stop signal (p.Gln93*) in the RBM20 gene. It is expected to result in an absent or disrupted protein product. Loss-of-function variants in RBM20 are known to be pathogenic (PMID: 20590677, 22004663, 38288598, 38510713, 40339755). This variant is present in population databases (no rsID available, gnomAD 0.1%). This variant has not been reported in the literature in individuals affected with RBM20-related conditions. ClinVar contains an entry for this variant (Variation ID: 1965699). For these reasons, this variant has been classified as Pathogenic.

Literature cited by the submitters: PubMed 20590677; PubMed 22004663; PubMed 38288598; PubMed 38510713; PubMed 40339755.